The following is an entry in ClinVar:

ClinVar aggregate classification (germline): Benign/Likely benign. Review status: criteria provided, multiple submitters, no conflicts (2 of 4 stars). 5 submissions from 5 submitters: Benign (1); Likely benign (4). Last evaluated 2025-08-17.

Conditions:
Multiple endocrine neoplasia, type 2 (MEN2). Identifiers: Orphanet 653, MedGen C4048306, MONDO:0019003. Disease mechanism: gain of function.
Multiple endocrine neoplasia type 2A. Also called: MULTIPLE ENDOCRINE NEOPLASIA, TYPE IIA; PTC SYNDROME; SIPPLE SYNDROME; MEN 2A; MEN-2A syndrome; Pheochromocytoma and amyloid producing medullary thyroid carcinoma. Identifiers: Orphanet 247698, Orphanet 653, MedGen C0025268, MeSH D018813, MONDO:0008234, OMIM 171400.
Hereditary cancer-predisposing syndrome. Also called: Neoplastic Syndromes, Hereditary; Tumor predisposition; Hereditary Cancer Syndrome; Hereditary neoplastic syndrome. Identifiers: Orphanet 140162, MedGen C0027672, MeSH D009386, MONDO:0015356.

Allele frequency attached by ClinVar (database versions not stated): TOPMed below 0.00001; gnomAD 0.00001.
gnomAD v4.1: 33 of 1,613,398 alleles (0.002%); highest among the groups gnomAD compares: Non-Finnish European, 0.0026%; no homozygotes.

Submissions (5):

Labcorp Genetics (formerly Invitae), Labcorp
Classification: Likely benign for Multiple endocrine neoplasia, type 2. Last evaluated: 2025-08-17. Review status: criteria provided, single submitter. Criteria: Invitae Variant Classification Sherloc (09022015). Collection method: clinical testing. Allele origin: germline.

Color Diagnostics, LLC DBA Color Health
Classification: Likely benign for Multiple endocrine neoplasia, type 2. Last evaluated: 2025-07-17. Review status: criteria provided, single submitter. Criteria: ACMG Guidelines, 2015. Collection method: clinical testing. Allele origin: germline.

Myriad Genetics, Inc.
Classification: Benign for Multiple endocrine neoplasia type 2A. Last evaluated: 2025-02-25. Review status: criteria provided, single submitter. Criteria: Myriad Autosomal Dominant, Autosomal Recessive and X-Linked Classification Criteria (2023). Collection method: clinical testing. Allele origin: unknown.
Comment: This variant is considered benign. This variant is a silent/synonymous amino acid change and it is not expected to impact splicing.

Ambry Genetics
Classification: Likely benign for Hereditary cancer-predisposing syndrome. Last evaluated: 2022-03-24. Review status: criteria provided, single submitter. Criteria: Ambry Variant Classification Scheme 2023. Collection method: clinical testing. Allele origin: germline.

ARUP Laboratories, Molecular Genetics and Genomics, ARUP Laboratories
Classification: Likely benign. Last evaluated: 2021-12-01. Review status: criteria provided, single submitter. Criteria: ARUP Molecular Germline Variant Investigation Process 2021. Collection method: clinical testing. Allele origin: germline.

NM_020975.6(RET):c.918A>G (p.Ala306=)

Gene: RET (ret proto-oncogene; plus strand). Cytogenetic location: 10q11.21.
Variant type: single nucleotide variant.
Coding change: c.918A>G on transcript NM_020975.6 (MANE Select); coding-DNA position 918, A replaced by G.
Protein change: p.Ala306=; no amino-acid change (alanine 306 retained).
Molecular consequence: synonymous variant. On other transcripts: intron variant (25).
Genome position (GRCh38, 1-based): chr10:43,106,426, A>G. VCF-style: chr10-43106426-A-G. GRCh37 (hg19) VCF-style: chr10-43601874-A-G.
Other names: c.918A>G, p.Ala306= (NM_000323.2, NM_001406743.1, NM_001406744.1 and 6 more transcripts); c.156A>G, p.Ala52= (NM_001355216.2); c.789A>G, p.Ala263= (NM_001406761.1, NM_001406762.1, NM_001406764.1 and 1 more transcripts); c.630A>G, p.Ala210= (NM_001406766.1, NM_001406767.1, NM_001406770.1); c.867+1233A>G (NM_001406772.1, NM_001406769.1); c.626-2605A>G (NM_001406773.1, NM_001406771.1); c.625+3797A>G (NM_001406782.1, NM_001406780.1, NM_001406779.1 and 3 more transcripts); c.738+1233A>G (NM_001406774.1); and 5 more.
Identifiers: ClinVar variation 413468 (VCV000413468.20), dbSNP rs1060504034, ClinGen allele CA16612875.